The following is an entry in ClinVar:

ClinVar aggregate classification (germline): Uncertain significance (1 of 4 stars; one submission).

gnomAD v4.1: 1 of 1,613,922 alleles (0.000062%); highest among the groups gnomAD compares: Non-Finnish European, 0.000085%; no homozygotes.

Submission:

Athena Diagnostics
Classification: Uncertain significance. Last evaluated: 2024-02-13. Review status: criteria provided, single submitter. Criteria: Athena Diagnostics Criteria. Collection method: clinical testing. Allele origin: unknown.
Comment: Available data are insufficient to determine the clinical significance of the variant at this time. The frequency of this variant in the general population is uninformative in assessment of its pathogenicity. Computational tools predict that this variant is not damaging.

NM_014363.6(SACS):c.12828T>G (p.Ile4276Met)

Gene: SACS (sacsin molecular chaperone; minus strand). Cytogenetic location: 13q12.12.
Variant type: single nucleotide variant.
Coding change: c.12828T>G on transcript NM_014363.6 (MANE Select); coding-DNA position 12828, T replaced by G.
Protein change: p.Ile4276Met; replaces isoleucine 4276 with methionine.
Molecular consequence: missense variant.
Genome position (GRCh38, 1-based): chr13:23,331,048, A>C on the plus strand (T>G on the coding strand, the complement: SACS is on the minus strand). VCF-style: chr13-23331048-A-C. GRCh37 (hg19) VCF-style: chr13-23905187-A-C.
Other names: c.12387T>G, p.Ile4129Met (NM_001278055.2); short protein forms I4129M, I4276M.
Identifiers: ClinVar variation 3571934 (VCV003571934.1).
Genomic context (GRCh38, chr13:23,331,048, plus strand): 5'-TTTGGGGGACTGATGTTTGGAAGAAGTCTTGTGGCTCTCTCTACCAGAGAAAAGAGGAGG[A>C]ATGCTTCTCAGGCCAGGGGTGAGGAACTCAGTGGGGCTGGTTGGTGTAGAAGGAGCACTG-3'
Protein context (NP_055178.3, residues 4266-4286): TEFLTPGLRS[Ile4276Met]PPLFSGRESH